The following is an entry in ClinVar:

ClinVar aggregate classification (germline): Conflicting classifications of pathogenicity. Review status: criteria provided, conflicting classifications (1 of 4 stars). 6 submissions from 6 submitters: Uncertain significance (2); Likely benign (1). 3 of the submissions do not count toward it. Last evaluated 2025-02-13.

Conditions:
Emery-Dreifuss muscular dystrophy 1, X-linked (EDMD1). Also called: SCAPULOPERONEAL SYNDROME, X-LINKED; HUMEROPERONEAL NEUROMUSCULAR DISEASE; Muscular dystrophy, tardive, Dreifuss-Emery type, with contractures; EMD-Related Emery-Dreifuss Muscular Dystrophy, X-Linked. Identifiers: MedGen CN375556, MONDO:0100531, OMIM 310300.
Emery-Dreifuss muscular dystrophy (EDMD). Also called: Scapuloperoneal syndrome, X-linked (formerly); Humeroperoneal neuromuscular disease, (formerly). Identifiers: Orphanet 261, MedGen C0410189, MONDO:0016830.
X-linked Emery-Dreifuss muscular dystrophy. Also called: Muscular dystrophy, tardive Emery-Dreifuss type, with contractures. Identifiers: Orphanet 261, Orphanet 98863, MedGen C0751337, MONDO:0010680.

Allele frequency attached by ClinVar (database versions not stated): gnomAD exomes 0.00003; ExAC 0.00002.

Submissions (6):

Labcorp Genetics (formerly Invitae), Labcorp
Classification: Likely benign for X-linked Emery-Dreifuss muscular dystrophy. Last evaluated: 2025-02-13. Review status: criteria provided, single submitter. Criteria: Invitae Variant Classification Sherloc (09022015). Collection method: clinical testing. Allele origin: germline.

GeneDx
Classification: Uncertain significance. Last evaluated: 2020-03-10. Review status: criteria provided, single submitter. Criteria: GeneDx Variant Classification Process June 2021. Collection method: clinical testing. Allele origin: germline. Affected: yes.
Comment: Has not been previously published as pathogenic or benign to our knowledge; Reported in ClinVar as a variant of uncertain significance (ClinVar Variant ID 201777; Landrum et al., 2016); In silico analysis, which includes protein predictors and evolutionary conservation, supports a deleterious effect; This variant is associated with the following publications: (PMID: 30847666)

Revvity Omics, Revvity
Classification: Uncertain significance for Emery-Dreifuss muscular dystrophy 1, X-linked. Last evaluated: 2019-08-09. Review status: criteria provided, single submitter. Criteria: ACMG Guidelines, 2015. Collection method: clinical testing. Allele origin: germline.

Natera, Inc.
Classification: Uncertain significance for Emery-Dreifuss muscular dystrophy. Last evaluated: 2020-09-16. Review status: no assertion criteria provided. Collection method: clinical testing. Allele origin: germline. Not counted in ClinVar's aggregate classification.

Clinical Genetics, Academic Medical Center
Classification: Uncertain significance. Review status: no assertion criteria provided. Collection method: clinical testing. Allele origin: germline. Affected: yes. Study: VKGL Data-share Consensus. Not counted in ClinVar's aggregate classification.

Diagnostic Laboratory, Department of Genetics, University Medical Center Groningen
Classification: Uncertain significance. Review status: no assertion criteria provided. Collection method: clinical testing. Allele origin: germline. Affected: yes. Study: VKGL Data-share Consensus. Not counted in ClinVar's aggregate classification.

NM_000117.3(EMD):c.671C>T (p.Pro224Leu)

Gene: EMD (emerin; plus strand). Cytogenetic location: Xq28.
Variant type: single nucleotide variant.
Coding change: c.671C>T on transcript NM_000117.3 (MANE Select); coding-DNA position 671, C replaced by T.
Protein change: p.Pro224Leu; replaces proline 224 with leucine.
Molecular consequence: missense variant.
Genome position (GRCh38, 1-based): chrX:154,381,103, C>T. VCF-style: chrX-154381103-C-T. GRCh37 (hg19) VCF-style: chrX-153609463-C-T.
Other names: p.P224L:CCG>CTG; short protein forms P224L.
Identifiers: ClinVar variation 201777 (VCV000201777.16), dbSNP rs782559230, ClinGen allele CA335159.
Genomic context (GRCh38, chrX:154,381,103, plus strand): 5'-GTGCCATCCGGCCTGAAAACCGTGCTCCTGGGGCTGGGCTGGGCCAGGATCGCCAGGTCC[C>T]GCTCTGGGGCCAGCTGCTGCTTTTCCTGGTCTTTGTGATCGTCCTCTTCTTCATTTACCA-3'
Protein context (NP_000108.1, residues 214-234): GAGLGQDRQV[Pro224Leu]LWGQLLLFLV